The following is an entry in ClinVar:

NM_000061.3(BTK):c.1852A>G (p.Arg618Gly)

Gene: BTK (Bruton tyrosine kinase; minus strand). Cytogenetic location: Xq22.1.
Variant type: single nucleotide variant.
Coding change: c.1852A>G on transcript NM_000061.3 (MANE Select); coding-DNA position 1852, A replaced by G.
Protein change: p.Arg618Gly; replaces arginine 618 with glycine.
Molecular consequence: missense variant.
Genome position (GRCh38, 1-based): chrX:101,353,250, T>C on the plus strand (A>G on the coding strand, the complement: BTK is on the minus strand). VCF-style: chrX-101353250-T-C. GRCh37 (hg19) VCF-style: chrX-100608238-T-C.
Other names: c.1954A>G, p.Arg652Gly (NM_001287344.2); c.1324A>G, p.Arg442Gly (NM_001287345.2); short protein forms R618G, R442G, R652G.
Identifiers: ClinVar variation 633140 (VCV000633140.1), dbSNP rs1569290824, ClinGen allele CA413918821.
Genomic context (GRCh38, chrX:101,353,250, plus strand): 5'-TTACCTCATGCCAGCAACTGTACATGATGGTATATACCTTCTCTGAAGCCAGATGAGGCC[T>C]GTAGAGACGTAGGCCTTGGGCAATGTGTTCAGCAGTCTCACTGTTAGTAAATCTCTCATA-3'
Protein context (NP_000052.1, residues 608-628): EHIAQGLRLY[Arg618Gly]PHLASEKVYT

ClinVar aggregate classification (germline): Uncertain significance (1 of 4 stars; one submission).

Submission:

Women's Health and Genetics/Laboratory Corporation of America, LabCorp
Classification: Uncertain significance. Last evaluated: 2018-10-23. Review status: criteria provided, single submitter. Criteria: LabCorp Variant Classification Summary - May 2015. Collection method: clinical testing. Allele origin: germline.
Comment: Variant summary: BTK c.1852A>G (p.Arg618Gly) results in a non-conservative amino acid change located in the Tyrosine-protein kinase, catalytic domain of the encoded protein sequence. Five of five in-silico tools predict a damaging effect of the variant on protein function. The variant was absent in 178792 control chromosomes (gnomAD). These data indicate that the variant may be associated with disease. To our knowledge, no experimental evidence demonstrating an impact on protein function has been reported. No clinical diagnostic laboratories have submitted clinical-significance assessments for this variant to ClinVar after 2014. Based on the evidence outlined above, the variant was classified as VUS-possibly pathogenic.

Literature cited by the submitters: PubMed 15358621.